The following is an entry in ClinVar:

NM_001164665.2(KIAA1549):c.2642C>T (p.Thr881Met)

Gene: KIAA1549 (KIAA1549; minus strand). Cytogenetic location: 7q34.
Variant type: single nucleotide variant.
Coding change: c.2642C>T on transcript NM_001164665.2 (MANE Select); coding-DNA position 2642, C replaced by T.
Protein change: p.Thr881Met; replaces threonine 881 with methionine.
Molecular consequence: missense variant.
Genome position (GRCh38, 1-based): chr7:138,916,984, G>A on the plus strand (C>T on the coding strand, the complement: KIAA1549 is on the minus strand). VCF-style: chr7-138916984-G-A. GRCh37 (hg19) VCF-style: chr7-138601730-G-A.
Other names: c.2642C>T, p.Thr881Met (NM_020910.3); short protein forms T881M.
Identifiers: ClinVar variation 711889 (VCV000711889.16), dbSNP rs138709216, ClinGen allele CA4506460.
Genomic context (GRCh38, chr7:138,916,984, plus strand): 5'-ATCAGGGTGGAGTCGAGGGGACCACCAGTGGCAGCACCGGTGCTGGTTGTGCTCACTTCC[G>A]TGGAGGTGTTCAGTGGCACCTCTGTGGGTGTGAGTGATGGGCCCACGACGGTCAGCTCTG-3'
Protein context (NP_001158137.1, residues 871-891): TPTEVPLNTS[Thr881Met]EVSTTSTGAA

ClinVar aggregate classification (germline): Conflicting classifications of pathogenicity. Review status: criteria provided, conflicting classifications (1 of 4 stars). 5 submissions from 5 submitters: Uncertain significance (1); Likely benign (3). 1 of the submissions does not count toward it. Last evaluated 2025-05-13.

Conditions:
Inborn genetic diseases. Identifiers: MedGen C0950123, MeSH D030342.
KIAA1549-related disorder. Also called: KIAA1549-related condition.
Retinal dystrophy. Also called: Inherited retinal dystrophy. Identifiers: Orphanet 71862, MedGen C0854723, MeSH D058499, MONDO:0019118, HP:0000556.

Allele frequency attached by ClinVar (database versions not stated): gnomAD exomes 0.00043; ExAC 0.00046; ESP Exome Variant Server 0.00071; gnomAD 0.00081 and 0.00084; 1000 Genomes Project 30x 0.00094; 1000 Genomes Project 0.00100; TOPMed 0.00102.
gnomAD v4.1: 485 of 1,600,044 alleles (0.03%); highest among the groups gnomAD compares: East Asian, 0.29%; 3 homozygotes.

Submissions (5):

Labcorp Genetics (formerly Invitae), Labcorp
Classification: Likely benign. Last evaluated: 2025-05-13. Review status: criteria provided, single submitter. Criteria: Invitae Variant Classification Sherloc (09022015). Collection method: clinical testing. Allele origin: germline.

Blueprint Genetics
Classification: Likely benign. Last evaluated: 2024-11-14. Review status: criteria provided, single submitter. Criteria: ACMG Guidelines, 2015. Collection method: clinical testing. Allele origin: germline.

Dept Of Ophthalmology, Nagoya University
Classification: Likely benign for Retinal dystrophy. Last evaluated: 2023-10-01. Review status: criteria provided, single submitter. Criteria: Submitter's publication. Collection method: research. Allele origin: germline. Affected: yes.

Ambry Genetics
Classification: Uncertain significance for Inborn genetic diseases. Last evaluated: 2021-07-20. Review status: criteria provided, single submitter. Criteria: Ambry Variant Classification Scheme 2023. Collection method: clinical testing. Allele origin: germline.

PreventionGenetics, part of Exact Sciences
Classification: Likely benign for KIAA1549-related condition. Last evaluated: 2022-02-15. Review status: no assertion criteria provided. Collection method: clinical testing. Allele origin: germline. Not counted in ClinVar's aggregate classification.
Comment: This variant is classified as likely benign based on ACMG/AMP sequence variant interpretation guidelines (Richards et al. 2015 PMID: 25741868, with internal and published modifications).